The following is an entry in ClinVar:

ClinVar aggregate classification (germline): Uncertain significance. Review status: criteria provided, multiple submitters, no conflicts (2 of 4 stars). 4 submissions from 4 submitters: Uncertain significance (4). Last evaluated 2024-12-03.

Conditions:
IFT172-related disorder. Also called: IFT172-related disorders; IFT172-related condition.
Short-rib thoracic dysplasia 10 with or without polydactyly (SRTD10). Identifiers: Orphanet 474, MedGen C3810175, MONDO:0014284, OMIM 615630.
Retinitis pigmentosa 71 (RP71). Identifiers: Orphanet 791, MedGen C4225342, MONDO:0014618, OMIM 616394.
Inborn genetic diseases. Identifiers: MedGen C0950123, MeSH D030342.

Allele frequency attached by ClinVar (database versions not stated): gnomAD exomes below 0.00001; TOPMed 0.00002; gnomAD 0.00003.
gnomAD v4.1: 8 of 1,612,426 alleles (0.0005%); highest among the groups gnomAD compares: African/African-American, 0.0094%; no homozygotes.

Submissions (4):

PreventionGenetics, part of Exact Sciences
Classification: Uncertain significance for IFT172-related condition. Last evaluated: 2024-12-03. Review status: criteria provided, single submitter. Criteria: ACMG Guidelines, 2015. Collection method: clinical testing. Allele origin: germline.
Comment: The IFT172 c.1354G>A variant is predicted to result in the amino acid substitution p.Gly452Arg. To our knowledge, this variant has not been reported in the literature. This variant is reported in 0.0062% of alleles in individuals of African descent in gnomAD. At this time, the clinical significance of this variant is uncertain due to the absence of conclusive functional and genetic evidence.

Ambry Genetics
Classification: Uncertain significance for Inborn genetic diseases. Last evaluated: 2024-05-12. Review status: criteria provided, single submitter. Criteria: Ambry Variant Classification Scheme 2023. Collection method: clinical testing. Allele origin: germline.

Blueprint Genetics
Classification: Uncertain significance. Last evaluated: 2023-05-05. Review status: criteria provided, single submitter. Criteria: ACMG Guidelines, 2015. Collection method: clinical testing. Allele origin: germline.

Labcorp Genetics (formerly Invitae), Labcorp
Classification: Uncertain significance for Retinitis pigmentosa 71; Short-rib thoracic dysplasia 10 with or without polydactyly. Last evaluated: 2022-09-06. Review status: criteria provided, single submitter. Criteria: Invitae Variant Classification Sherloc (09022015). Collection method: clinical testing. Allele origin: germline.
Comment: This sequence change replaces glycine, which is neutral and non-polar, with arginine, which is basic and polar, at codon 452 of the IFT172 protein (p.Gly452Arg). This variant is present in population databases (no rsID available, gnomAD 0.007%). This variant has not been reported in the literature in individuals affected with IFT172-related conditions. ClinVar contains an entry for this variant (Variation ID: 938102). Algorithms developed to predict the effect of missense changes on protein structure and function are either unavailable or do not agree on the potential impact of this missense change (SIFT: "Deleterious"; PolyPhen-2: "Possibly Damaging"; Align-GVGD: "Class C0"). In summary, the available evidence is currently insufficient to determine the role of this variant in disease. Therefore, it has been classified as a Variant of Uncertain Significance.

NM_015662.3(IFT172):c.1354G>A (p.Gly452Arg)

Gene: IFT172 (intraflagellar transport 172; minus strand). Cytogenetic location: 2p23.3.
Variant type: single nucleotide variant.
Coding change: c.1354G>A on transcript NM_015662.3 (MANE Select); coding-DNA position 1354, G replaced by A.
Protein change: p.Gly452Arg; replaces glycine 452 with arginine.
Molecular consequence: missense variant.
Genome position (GRCh38, 1-based): chr2:27,476,698, C>T on the plus strand (G>A on the coding strand, the complement: IFT172 is on the minus strand). VCF-style: chr2-27476698-C-T. GRCh37 (hg19) VCF-style: chr2-27699565-C-T.
Other names: c.1354G>A (NM_015662.1); short protein forms G452R.
Identifiers: ClinVar variation 938102 (VCV000938102.8), dbSNP rs866980509, ClinGen allele CA44512887.